The following is an entry in ClinVar:

NM_019042.5(PUS7):c.1631A>G (p.Gln544Arg)

Gene: PUS7 (pseudouridine synthase 7; minus strand). Cytogenetic location: 7q22.3.
Variant type: single nucleotide variant.
Coding change: c.1631A>G on transcript NM_019042.5 (MANE Select); coding-DNA position 1631, A replaced by G.
Protein change: p.Gln544Arg; replaces glutamine 544 with arginine.
Molecular consequence: missense variant.
Genome position (GRCh38, 1-based): chr7:105,462,747, T>C on the plus strand (A>G on the coding strand, the complement: PUS7 is on the minus strand). VCF-style: chr7-105462747-T-C. GRCh37 (hg19) VCF-style: chr7-105103194-T-C.
Other names: c.1649A>G, p.Gln550Arg (NM_001318163.1); c.1631A>G, p.Gln544Arg (NM_001318164.2); short protein forms Q544R, Q550R.
Identifiers: ClinVar variation 3252720 (VCV003252720.1), dbSNP rs2484804253.

ClinVar aggregate classification (germline): Uncertain significance (1 of 4 stars; one submission).

Submission:

GeneDx
Classification: Uncertain significance. Last evaluated: 2023-10-12. Review status: criteria provided, single submitter. Criteria: GeneDx Variant Classification Process June 2021. Collection method: clinical testing. Allele origin: germline. Affected: yes.
Comment: Not observed at significant frequency in large population cohorts (gnomAD); In silico analysis supports that this missense variant does not alter protein structure/function; Has not been previously published as pathogenic or benign to our knowledge